The following is an entry in ClinVar:

NM_002755.4(MAP2K1):c.256T>A (p.Ser86Thr)

Gene: MAP2K1 (mitogen-activated protein kinase kinase 1; plus strand). Cytogenetic location: 15q22.31.
Variant type: single nucleotide variant.
Coding change: c.256T>A on transcript NM_002755.4 (MANE Select); coding-DNA position 256, T replaced by A.
Protein change: p.Ser86Thr; replaces serine 86 with threonine.
Molecular consequence: missense variant.
Genome position (GRCh38, 1-based): chr15:66,435,202, T>A. VCF-style: chr15-66435202-T-A. GRCh37 (hg19) VCF-style: chr15-66727540-T-A.
Other names: c.190T>A, p.Ser64Thr (NM_001411065.1); short protein forms S64T, S86T.
Identifiers: ClinVar variation 1719165 (VCV001719165.5), dbSNP rs2545051300, ClinGen allele CA392929514.

ClinVar aggregate classification (germline): Uncertain significance (1 of 4 stars; one submission).

Conditions:
RASopathy. Also called: rasopathies; Noonan spectrum disorder. Identifiers: Orphanet 536391, MedGen C5555857, MONDO:0021060.

Submission:

Labcorp Genetics (formerly Invitae), Labcorp
Classification: Uncertain significance for RASopathy. Last evaluated: 2022-09-10. Review status: criteria provided, single submitter. Criteria: Invitae Variant Classification Sherloc (09022015). Collection method: clinical testing. Allele origin: germline.
Comment: This sequence change replaces serine, which is neutral and polar, with threonine, which is neutral and polar, at codon 86 of the MAP2K1 protein (p.Ser86Thr). This variant is not present in population databases (gnomAD no frequency). This variant has not been reported in the literature in individuals affected with MAP2K1-related conditions. Advanced modeling of protein sequence and biophysical properties (such as structural, functional, and spatial information, amino acid conservation, physicochemical variation, residue mobility, and thermodynamic stability) performed at Invitae indicates that this missense variant is not expected to disrupt MAP2K1 protein function. In summary, the available evidence is currently insufficient to determine the role of this variant in disease. Therefore, it has been classified as a Variant of Uncertain Significance.